The following is an entry in ClinVar:

NM_021939.4(FKBP10):c.245+9G>C

Gene: FKBP10 (FKBP prolyl isomerase 10; plus strand). Cytogenetic location: 17q21.2.
Variant type: single nucleotide variant.
Coding change: c.245+9G>C on transcript NM_021939.4 (MANE Select); 9 bases into the intron after coding-DNA position 245, G replaced by C.
Molecular consequence: intron variant.
Genome position (GRCh38, 1-based): chr17:41,813,288, G>C. VCF-style: chr17-41813288-G-C. GRCh37 (hg19) VCF-style: chr17-39969540-G-C.
Identifiers: ClinVar variation 753955 (VCV000753955.10), dbSNP rs368309333, ClinGen allele CA8566146.

ClinVar aggregate classification (germline): Likely benign. Review status: criteria provided, single submitter (1 of 4 stars). 2 submissions from 2 submitters: Likely benign (1). 1 of the submissions does not count toward it. Last evaluated 2024-02-01.

Conditions:
FKBP10-related disorder. Also called: FKBP10-related condition.

Allele frequency attached by ClinVar (database versions not stated): gnomAD exomes 0.00006; ExAC 0.00007; TOPMed 0.00012; ESP Exome Variant Server 0.00023.
gnomAD v4.1: 79 of 1,613,284 alleles (0.0049%); highest among the groups gnomAD compares: African/African-American, 0.1%; no homozygotes.

Submissions (2):

Labcorp Genetics (formerly Invitae), Labcorp
Classification: Likely benign. Last evaluated: 2024-02-01. Review status: criteria provided, single submitter. Criteria: Invitae Variant Classification Sherloc (09022015). Collection method: clinical testing. Allele origin: germline.

PreventionGenetics, part of Exact Sciences
Classification: Likely benign for FKBP10-related condition. Last evaluated: 2019-07-15. Review status: no assertion criteria provided. Collection method: clinical testing. Allele origin: germline. Not counted in ClinVar's aggregate classification.
Comment: This variant is classified as likely benign based on ACMG/AMP sequence variant interpretation guidelines (Richards et al. 2015 PMID: 25741868, with internal and published modifications).